The following is an entry in ClinVar:

NM_001267550.2(TTN):c.55120_55120+3del

Genes: TTN-AS1 (TTN antisense RNA 1; plus strand), TTN (titin; minus strand). Cytogenetic location: 2q31.2.
Variant type: Deletion.
Coding change: c.55120_55120+3del on transcript NM_001267550.2 (MANE Select); coding-DNA position 55120 through 3 bases into the intron after coding-DNA position 55120, 4 bases deleted (GGTA; older notation c.55120_55120+3delGGTA).
Molecular consequence: splice donor variant.
Genome position (GRCh38, 1-based): chr2:178,602,279-178,602,282, TACC deleted on the plus strand (GGTA on the coding strand, the reverse complement: TTN is on the minus strand); deleting any 4 consecutive bases within chr2:178,602,279-178,602,283 gives the same sequence; the c. name uses the placement nearest the transcript's 3' end. VCF-style (leftmost placement, unchanged base first): chr2-178602278-GTACC-G. GRCh37 (hg19) VCF-style: chr2-179467005-GTACC-G.
Other names: c.27925_27925+3del (NM_003319.4); c.28501_28501+3del (NM_133437.4); c.28300_28300+3del (NM_133432.3); c.47416_47416+3del (NM_133378.4); c.50197_50197+3del (NM_001256850.1).
Identifiers: ClinVar variation 2954087 (VCV002954087.3), dbSNP rs2470042905, ClinGen allele CA2740096103.

ClinVar aggregate classification (germline): Likely pathogenic (1 of 4 stars; one submission).

Conditions:
Autosomal recessive limb-girdle muscular dystrophy type 2J (LGMDR10). Also called: Limb-girdle muscular dystrophy, type 2J; MUSCULAR DYSTROPHY, LIMB-GIRDLE, AUTOSOMAL RECESSIVE 10. Identifiers: Orphanet 140922, MedGen C1837342, MONDO:0012127, OMIM 608807.
Dilated cardiomyopathy 1G (CMD1G). Identifiers: Orphanet 154, MedGen C1858763, MONDO:0011400, OMIM 604145.

Submission:

Labcorp Genetics (formerly Invitae), Labcorp
Classification: Likely pathogenic for Dilated cardiomyopathy 1G; Autosomal recessive limb-girdle muscular dystrophy type 2J. Last evaluated: 2023-12-05. Review status: criteria provided, single submitter. Criteria: Invitae Variant Classification Sherloc (09022015). Collection method: clinical testing. Allele origin: germline.
Comment: This variant results in the deletion of part of exon 283 of the TTN gene. It is expected to disrupt RNA splicing. Variants that disrupt the donor or acceptor splice site typically lead to a loss of protein function (PMID: 16199547), and loss-of-function variants in TTN are known to be pathogenic (PMID: 17444505, 22335739, 22577215, 23486992, 23606733, 23975875, 24395473). This variant is not present in population databases (gnomAD no frequency). This variant has not been reported in the literature in individuals affected with TTN-related conditions. Algorithms developed to predict the effect of sequence changes on RNA splicing suggest that this variant may disrupt the consensus splice site. In summary, the currently available evidence indicates that the variant is pathogenic, but additional data are needed to prove that conclusively. Therefore, this variant has been classified as Likely Pathogenic.

Literature cited by the submitters: PubMed 16199547; PubMed 17444505; PubMed 22335739; PubMed 22577215; PubMed 23486992; PubMed 23606733; PubMed 23975875; PubMed 24395473.